The following is an entry in ClinVar:

ClinVar aggregate classification (germline): Conflicting classifications of pathogenicity. Review status: criteria provided, conflicting classifications (1 of 4 stars). 3 submissions from 3 submitters: Uncertain significance (2); Likely benign (1). Last evaluated 2024-12-05.

Conditions:
EPILEPSY, CHILDHOOD ABSENCE, SUSCEPTIBILITY TO, 2 (ECA2). Identifiers: Orphanet 64280, MedGen C1843244, OMIM 607681.
Febrile seizures, familial, 8 (FEB8). Also called: CONVULSIONS, FAMILIAL FEBRILE, 8. Identifiers: Orphanet 36387, MedGen C1969810, MONDO:0011891, OMIM 607681.
Inborn genetic diseases. Identifiers: MedGen C0950123, MeSH D030342.

Allele frequency attached by ClinVar (database versions not stated): gnomAD 0.00001; gnomAD exomes 0.00002 and 0.00003; TOPMed 0.00002; ExAC 0.00004.
gnomAD v4.1: 26 of 1,613,728 alleles (0.0016%); highest among the groups gnomAD compares: Non-Finnish European, 0.0019%; no homozygotes.

Submissions (3):

Labcorp Genetics (formerly Invitae), Labcorp
Classification: Uncertain significance for Febrile seizures, familial, 8; EPILEPSY, CHILDHOOD ABSENCE, SUSCEPTIBILITY TO, 2. Last evaluated: 2024-12-05. Review status: criteria provided, single submitter. Criteria: Invitae Variant Classification Sherloc (09022015). Collection method: clinical testing. Allele origin: germline.
Comment: This sequence change replaces arginine, which is basic and polar, with serine, which is neutral and polar, at codon 124 of the GABRG2 protein (p.Arg124Ser). This variant is present in population databases (rs754884716, gnomAD 0.006%). This variant has not been reported in the literature in individuals affected with GABRG2-related conditions. ClinVar contains an entry for this variant (Variation ID: 959670). Invitae Evidence Modeling of protein sequence and biophysical properties (such as structural, functional, and spatial information, amino acid conservation, physicochemical variation, residue mobility, and thermodynamic stability) indicates that this missense variant is not expected to disrupt GABRG2 protein function with a negative predictive value of 95%. In summary, the available evidence is currently insufficient to determine the role of this variant in disease. Therefore, it has been classified as a Variant of Uncertain Significance.

Ambry Genetics
Classification: Likely benign for Inborn genetic diseases. Last evaluated: 2023-08-21. Review status: criteria provided, single submitter. Criteria: Ambry Variant Classification Scheme 2023. Collection method: clinical testing. Allele origin: germline.

Institute of Human Genetics, University of Leipzig Medical Center
Classification: Uncertain significance for Febrile seizures, familial, 8. Last evaluated: 2016-11-30. Review status: criteria provided, single submitter. Criteria: ACMG Guidelines, 2015. Collection method: clinical testing. Allele origin: germline. Affected: yes. Observed: 1 variant allele.

NM_198904.4(GABRG2):c.372A>T (p.Arg124Ser)

Gene: GABRG2 (gamma-aminobutyric acid type A receptor subunit gamma2; plus strand). Cytogenetic location: 5q34.
Variant type: single nucleotide variant.
Coding change: c.372A>T on transcript NM_198904.4 (MANE Select); coding-DNA position 372, A replaced by T.
Protein change: p.Arg124Ser; replaces arginine 124 with serine.
Molecular consequence: missense variant. On other transcripts: intron variant (2).
Genome position (GRCh38, 1-based): chr5:162,097,682, A>T. VCF-style: chr5-162097682-A-T. GRCh37 (hg19) VCF-style: chr5-161524688-A-T.
Other names: c.372A>T, p.Arg124Ser (NM_000816.3, NM_001375340.1, NM_001375341.1 and 4 more transcripts); c.363A>T, p.Arg121Ser (NM_001375339.1); c.306A>T, p.Arg102Ser (NM_001375345.1, NM_001375346.1); c.285A>T, p.Arg95Ser (NM_001375347.1); c.87A>T, p.Arg29Ser (NM_001375349.1); c.-31-18A>T (NM_001375350.1, NM_001375348.1); short protein forms R102S, R124S, R29S, R121S, R95S.
Identifiers: ClinVar variation 959670 (VCV000959670.11), dbSNP rs754884716, ClinGen allele CA3544725.